The following is an entry in ClinVar:

ClinVar aggregate classification (germline): Uncertain significance (1 of 4 stars; one submission).

Conditions:
OFD1-related disorder. Also called: OFD1-related condition.

gnomAD v4.1: 3 of 1,204,111 alleles (0.00025%); highest among the groups gnomAD compares: African/African-American, 0.0035%; no homozygotes.

Submission:

PreventionGenetics, part of Exact Sciences
Classification: Uncertain significance for OFD1-related condition. Last evaluated: 2026-07-05. Review status: criteria provided, single submitter. Criteria: ACMG Guidelines, 2015. Collection method: clinical testing. Allele origin: germline.
Comment: The OFD1 c.1253T>C variant is predicted to result in the amino acid substitution p.Leu418Ser. To our knowledge, this variant has not been reported in the literature. This variant was reported in one allele of the "other" population group in gnomAD v2. However, in gnomAD v4 (available only on GRCh38), this variant is reported in four alleles, including a hemizygous allele. At this time, the clinical significance of this variant is uncertain due to the absence of conclusive functional and genetic evidence.

NM_003611.3(OFD1):c.1253T>C (p.Leu418Ser)

Gene: OFD1 (OFD1 centriole and centriolar satellite protein; plus strand). Cytogenetic location: Xp22.2.
Variant type: single nucleotide variant.
Coding change: c.1253T>C on transcript NM_003611.3 (MANE Select); coding-DNA position 1253, T replaced by C.
Protein change: p.Leu418Ser; replaces leucine 418 with serine.
Molecular consequence: missense variant.
Genome position (GRCh38, 1-based): chrX:13,756,609, T>C. VCF-style: chrX-13756609-T-C. GRCh37 (hg19) VCF-style: chrX-13774728-T-C.
Other names: c.1133T>C, p.Leu378Ser (NM_001330209.2, NM_001440948.1); c.833T>C, p.Leu278Ser (NM_001330210.2); c.1253T>C, p.Leu418Ser (NM_001440947.1); short protein forms L418S, L278S, L378S.
Identifiers: ClinVar variation 4986102 (VCV004986102.1).